The following is an entry in ClinVar:

NM_001128840.3(CACNA1D):c.6438G>T (p.Arg2146Ser)

Gene: CACNA1D (calcium voltage-gated channel subunit alpha1 D; plus strand). Cytogenetic location: 3p21.1.
Variant type: single nucleotide variant.
Coding change: c.6438G>T on transcript NM_001128840.3 (MANE Select); coding-DNA position 6438, G replaced by T.
Protein change: p.Arg2146Ser; replaces arginine 2146 with serine.
Molecular consequence: missense variant.
Genome position (GRCh38, 1-based): chr3:53,811,358, G>T. VCF-style: chr3-53811358-G-T. GRCh37 (hg19) VCF-style: chr3-53845385-G-T.
Other names: c.6498G>T, p.Arg2166Ser (NM_000720.4); c.6366G>T, p.Arg2122Ser (NM_001128839.3); short protein forms R2166S, R2146S, R2122S.
Identifiers: ClinVar variation 2884827 (VCV002884827.3), dbSNP rs760934987, ClinGen allele CA353259691.

ClinVar aggregate classification (germline): Uncertain significance (1 of 4 stars; one submission).

Submission:

Labcorp Genetics (formerly Invitae), Labcorp
Classification: Uncertain significance. Last evaluated: 2023-04-22. Review status: criteria provided, single submitter. Criteria: Invitae Variant Classification Sherloc (09022015). Collection method: clinical testing. Allele origin: germline.
Comment: In summary, the available evidence is currently insufficient to determine the role of this variant in disease. Therefore, it has been classified as a Variant of Uncertain Significance. An algorithm developed to predict the effect of missense changes on protein structure and function (PolyPhen-2) suggests that this variant is likely to be tolerated. This variant has not been reported in the literature in individuals affected with CACNA1D-related conditions. This variant is not present in population databases (gnomAD no frequency). This sequence change replaces arginine, which is basic and polar, with serine, which is neutral and polar, at codon 2166 of the CACNA1D protein (p.Arg2166Ser).